The following is an entry in ClinVar:

NM_020117.11(LARS1):c.3463A>G (p.Lys1155Glu)

Gene: LARS1 (leucyl-tRNA synthetase 1; minus strand). Cytogenetic location: 5q32.
Variant type: single nucleotide variant.
Coding change: c.3463A>G on transcript NM_020117.11 (MANE Select); coding-DNA position 3463, A replaced by G.
Protein change: p.Lys1155Glu; replaces lysine 1155 with glutamic acid.
Molecular consequence: missense variant.
Genome position (GRCh38, 1-based): chr5:146,114,174, T>C on the plus strand (A>G on the coding strand, the complement: LARS1 is on the minus strand). VCF-style: chr5-146114174-T-C. GRCh37 (hg19) VCF-style: chr5-145493737-T-C.
Other names: c.3325A>G, p.Lys1109Glu (NM_001317964.2); c.3301A>G, p.Lys1101Glu (NM_001317965.2); c.3382A>G, p.Lys1128Glu (NM_016460.4); c.3463A>G (NM_020117.10); short protein forms K1155E, K1109E, K1128E, K1101E.
Identifiers: ClinVar variation 2079187 (VCV002079187.7), dbSNP rs117895496, ClinGen allele CA324676.
Genomic context (GRCh38, chr5:146,114,174, plus strand): 5'-CCAGATAGATTATTGTATCGCCAATATCCACCCTTATCCCATTCTCAGTCAGATGAATTT[T>C]CTTGCTCATGAGGTCCACATTGAAAACAGCATGCTCAGAAATGGGGGTCTTCTCGGTGTA-3'
Protein context (NP_064502.9, residues 1145-1165): AVFNVDLMSK[Lys1155Glu]IHLTENGIRV

ClinVar aggregate classification (germline): Likely benign. Review status: criteria provided, multiple submitters, no conflicts (2 of 4 stars). 3 submissions from 3 submitters: Likely benign (2). 1 of the submissions does not count toward it. Last evaluated 2026-02-02.

Conditions:
LARS1-related disorder. Also called: LARS1-related condition.

Allele frequency attached by ClinVar (database versions not stated): ESP Exome Variant Server 0.00031; gnomAD 0.00040; gnomAD exomes 0.00045; TOPMed 0.00045; ExAC 0.00054; 1000 Genomes Project 30x 0.00078; 1000 Genomes Project 0.00100.
gnomAD v4.1: 710 of 1,613,962 alleles (0.044%); highest among the groups gnomAD compares: East Asian, 0.94%; 7 homozygotes.

Submissions (3):

Labcorp Genetics (formerly Invitae), Labcorp
Classification: Likely benign. Last evaluated: 2026-02-02. Review status: criteria provided, single submitter. Criteria: Invitae Variant Classification Sherloc (09022015). Collection method: clinical testing. Allele origin: germline.

Ambry Genetics
Classification: Likely benign. Last evaluated: 2025-06-22. Review status: criteria provided, single submitter. Criteria: Ambry Variant Classification Scheme 2023. Collection method: clinical testing. Allele origin: germline.

PreventionGenetics, part of Exact Sciences
Classification: Likely benign for LARS1-related condition. Last evaluated: 2020-03-09. Review status: no assertion criteria provided. Collection method: clinical testing. Allele origin: germline. Not counted in ClinVar's aggregate classification.
Comment: This variant is classified as likely benign based on ACMG/AMP sequence variant interpretation guidelines (Richards et al. 2015 PMID: 25741868, with internal and published modifications).